The following is an entry in ClinVar:

ClinVar aggregate classification (germline): Likely benign (1 of 4 stars; one submission).

Allele frequency attached by ClinVar (database versions not stated): 1000 Genomes Project 30x 0.00016; 1000 Genomes Project 0.00020; ExAC 0.00024; gnomAD 0.00025; ESP Exome Variant Server 0.00038.
gnomAD v4.1: 324 of 1,614,036 alleles (0.02%); highest among the groups gnomAD compares: Middle Eastern, 0.049%; 1 homozygote.

Submission:

CeGaT Center for Human Genetics Tuebingen
Classification: Likely benign. Last evaluated: 2022-08-01. Review status: criteria provided, single submitter. Criteria: CeGaT Center For Human Genetics Tuebingen Variant Classification Criteria Version 2. Collection method: clinical testing. Allele origin: germline. Affected: yes. Observed: 1 variant allele.
Comment: ZBTB16: BP4, BP7

NM_006006.6(ZBTB16):c.414C>T (p.Ala138=)

Gene: ZBTB16 (zinc finger and BTB domain containing 16; plus strand). Cytogenetic location: 11q23.2.
Variant type: single nucleotide variant.
Coding change: c.414C>T on transcript NM_006006.6 (MANE Select); coding-DNA position 414, C replaced by T.
Protein change: p.Ala138=; no amino-acid change (alanine 138 retained).
Molecular consequence: synonymous variant.
Genome position (GRCh38, 1-based): chr11:114,063,714, C>T. VCF-style: chr11-114063714-C-T. GRCh37 (hg19) VCF-style: chr11-113934436-C-T.
Other names: c.414C>T, p.Ala138= (NM_001018011.3, NM_001354750.2, NM_001354751.2 and 1 more transcripts).
Identifiers: ClinVar variation 2642386 (VCV002642386.24), dbSNP rs147951342, ClinGen allele CA6285017.
Genomic context (GRCh38, chr11:114,063,714, plus strand): 5'-CCTGAAGATGCTGGAGACCATCCAGGCCTCAGACGACAATGACACGGAGGCCACCATGGC[C>T]GATGGCGGGGCCGAGGAAGAAGAGGACCGCAAGGCTCGGTACCTCAAGAACATCTTCATC-3'
Protein context (NP_005997.2, residues 128-148): SDDNDTEATM[Ala138=]DGGAEEEEDR